The following is an entry in ClinVar:

ClinVar aggregate classification (germline): Uncertain significance (1 of 4 stars; one submission).

Conditions:
Inborn genetic diseases. Identifiers: MedGen C0950123, MeSH D030342.

Submission:

Ambry Genetics
Classification: Uncertain significance for Inborn genetic diseases. Last evaluated: 2025-12-06. Review status: criteria provided, single submitter. Criteria: Ambry Variant Classification Scheme 2023. Collection method: clinical testing. Allele origin: germline.
Comment: The p.G200C variant (also known as c.598G>T), located in coding exon 2 of the GATA2 gene, results from a G to T substitution at nucleotide position 598. The glycine at codon 200 is replaced by cysteine, an amino acid with highly dissimilar properties. This amino acid position is conserved. In addition, this alteration is predicted to be deleterious by in silico analysis. Based on the available evidence, the clinical significance of this variant remains unclear.

NM_032638.5(GATA2):c.598G>T (p.Gly200Cys)

Gene: GATA2 (GATA binding protein 2; minus strand). Cytogenetic location: 3q21.3.
Variant type: single nucleotide variant.
Coding change: c.598G>T on transcript NM_032638.5 (MANE Select); coding-DNA position 598, G replaced by T.
Protein change: p.Gly200Cys; replaces glycine 200 with cysteine.
Molecular consequence: missense variant.
Genome position (GRCh38, 1-based): chr3:128,486,000, C>A on the plus strand (G>T on the coding strand, the complement: GATA2 is on the minus strand). VCF-style: chr3-128486000-C-A. GRCh37 (hg19) VCF-style: chr3-128204843-C-A.
Other names: c.598G>T, p.Gly200Cys (NM_001145661.2, NM_001145662.1); short protein forms G200C.
Identifiers: ClinVar variation 4620648 (VCV004620648.1).